The following is an entry in ClinVar:

ClinVar aggregate classification (germline): Uncertain significance (1 of 4 stars; one submission).

Conditions:
Ataxia-telangiectasia syndrome (AT). Also called: Ataxia-telangiectasia, complementation group D; AT, COMPLEMENTATION GROUP C; ATAXIA-TELANGIECTASIA, COMPLEMENTATION GROUP A; ATAXIA-TELANGIECTASIA, FRESNO VARIANT; Ataxia-telangiectasia; Ataxia-telangiectasia, complementation group E. Identifiers: Orphanet 100, MedGen C0004135, MONDO:0008840, OMIM 208900.

Submission:

Labcorp Genetics (formerly Invitae), Labcorp
Classification: Uncertain significance for Ataxia-telangiectasia syndrome. Last evaluated: 2024-06-14. Review status: criteria provided, single submitter. Criteria: Invitae Variant Classification Sherloc (09022015). Collection method: clinical testing. Allele origin: germline.
Comment: This sequence change replaces glutamic acid, which is acidic and polar, with aspartic acid, which is acidic and polar, at codon 2039 of the ATM protein (p.Glu2039Asp). This variant is not present in population databases (gnomAD no frequency). This variant has not been reported in the literature in individuals affected with ATM-related conditions. An algorithm developed to predict the effect of missense changes on protein structure and function (PolyPhen-2) suggests that this variant is likely to be disruptive. This variant disrupts the p.Glu2039 amino acid residue in ATM. Other variant(s) that disrupt this residue have been determined to be pathogenic (PMID: 19431188, 19781682, 22071889, 26896183, 30303537, 30549301). This suggests that this residue is clinically significant, and that variants that disrupt this residue are likely to be disease-causing. In summary, the available evidence is currently insufficient to determine the role of this variant in disease. Therefore, it has been classified as a Variant of Uncertain Significance.

Literature cited by the submitters: PubMed 19431188; PubMed 19781682; PubMed 22071889; PubMed 26896183; PubMed 30303537; PubMed 30549301.

NM_000051.4(ATM):c.6117A>C (p.Glu2039Asp)

Genes: ATM (ATM serine/threonine kinase; plus strand), C11orf65 (chromosome 11 open reading frame 65; minus strand). Cytogenetic location: 11q22.3.
Variant type: single nucleotide variant.
Coding change: c.6117A>C on transcript NM_000051.4 (MANE Select); coding-DNA position 6117, A replaced by C.
Protein change: p.Glu2039Asp; replaces glutamic acid 2039 with aspartic acid.
Molecular consequence: missense variant. On other transcripts: intron variant (2).
Genome position (GRCh38, 1-based): chr11:108,316,032, A>C. VCF-style: chr11-108316032-A-C. GRCh37 (hg19) VCF-style: chr11-108186759-A-C.
Other names: c.6117A>C, p.Glu2039Asp (NM_001351834.2); c.641-6961T>G (NM_001330368.2); c.*39-6961T>G (NM_001351110.2); short protein forms E2039D.
Identifiers: ClinVar variation 3656647 (VCV003656647.2).